The following is an entry in ClinVar:

ClinVar aggregate classification (germline): Uncertain significance. Review status: criteria provided, multiple submitters, no conflicts (2 of 4 stars). 3 submissions from 3 submitters: Uncertain significance (2). 1 of the submissions does not count toward it. Last evaluated 2022-04-20.

Conditions:
Retinitis pigmentosa 25 (RP25). Identifiers: Orphanet 791, MedGen C1864446, MONDO:0011272, OMIM 602772.

Submissions (3):

Blueprint Genetics
Classification: Uncertain significance. Last evaluated: 2022-04-20. Review status: criteria provided, single submitter. Criteria: ACMG Guidelines, 2015. Collection method: clinical testing. Allele origin: germline.

Labcorp Genetics (formerly Invitae), Labcorp
Classification: Uncertain significance. Last evaluated: 2021-08-24. Review status: criteria provided, single submitter. Criteria: Invitae Variant Classification Sherloc (09022015). Collection method: clinical testing. Allele origin: germline.
Comment: This sequence change replaces histidine with tyrosine at codon 1947 of the EYS protein (p.His1947Tyr). The histidine residue is weakly conserved and there is a moderate physicochemical difference between histidine and tyrosine. This variant is not present in population databases (ExAC no frequency). This variant has not been reported in the literature in individuals affected with EYS-related conditions. Algorithms developed to predict the effect of missense changes on protein structure and function output the following: SIFT: "Tolerated"; PolyPhen-2: "Benign"; Align-GVGD: "Class C0". The tyrosine amino acid residue is found in multiple mammalian species, which suggests that this missense change does not adversely affect protein function. In summary, the available evidence is currently insufficient to determine the role of this variant in disease. Therefore, it has been classified as a Variant of Uncertain Significance.

Natera, Inc.
Classification: Uncertain significance for Retinitis pigmentosa type 25. Last evaluated: 2020-02-26. Review status: no assertion criteria provided. Collection method: clinical testing. Allele origin: germline. Not counted in ClinVar's aggregate classification.

NM_001142800.2(EYS):c.5839C>T (p.His1947Tyr)

Gene: EYS (EGF-like photoreceptor maintenance factor; minus strand). Cytogenetic location: 6q12.
Variant type: single nucleotide variant.
Coding change: c.5839C>T on transcript NM_001142800.2 (MANE Select); coding-DNA position 5839, C replaced by T.
Protein change: p.His1947Tyr; replaces histidine 1947 with tyrosine.
Molecular consequence: missense variant.
Genome position (GRCh38, 1-based): chr6:64,436,262, G>A on the plus strand (C>T on the coding strand, the complement: EYS is on the minus strand). VCF-style: chr6-64436262-G-A. GRCh37 (hg19) VCF-style: chr6-65146155-G-A.
Other names: c.5839C>T, p.His1947Tyr (NM_001292009.2); short protein forms H1947Y.
Identifiers: ClinVar variation 964124 (VCV000964124.9), dbSNP rs1774743807, ClinGen allele CA364392470.